The following is an entry in ClinVar:

ClinVar aggregate classification (germline): Likely benign. Review status: criteria provided, multiple submitters, no conflicts (2 of 4 stars). 2 submissions from 2 submitters: Likely benign (2). Last evaluated 2026-01-23.

Allele frequency attached by ClinVar (database versions not stated): gnomAD 0.00003; gnomAD exomes 0.00005; TOPMed 0.00007; ExAC 0.00008.

Submissions (2):

Labcorp Genetics (formerly Invitae), Labcorp
Classification: Likely benign. Last evaluated: 2026-01-23. Review status: criteria provided, single submitter. Criteria: Invitae Variant Classification Sherloc (09022015). Collection method: clinical testing. Allele origin: germline.

CeGaT Center for Human Genetics Tuebingen
Classification: Likely benign. Last evaluated: 2023-01-01. Review status: criteria provided, single submitter. Criteria: CeGaT Center For Human Genetics Tuebingen Variant Classification Criteria Version 2. Collection method: clinical testing. Allele origin: germline. Affected: yes. Observed: 1 variant allele.
Comment: FOXI3: BP4, BP7

NM_001135649.3(FOXI3):c.438G>A (p.Pro146=)

Gene: FOXI3 (forkhead box I3; minus strand). Cytogenetic location: 2p11.2.
Variant type: single nucleotide variant.
Coding change: c.438G>A on transcript NM_001135649.3 (MANE Select); coding-DNA position 438, G replaced by A.
Protein change: p.Pro146=; no amino-acid change (proline 146 retained).
Molecular consequence: synonymous variant.
Genome position (GRCh38, 1-based): chr2:88,452,098, C>T on the plus strand (G>A on the coding strand, the complement: FOXI3 is on the minus strand). VCF-style: chr2-88452098-C-T. GRCh37 (hg19) VCF-style: chr2-88751617-C-T.
Identifiers: ClinVar variation 2057304 (VCV002057304.28), dbSNP rs765588871, ClinGen allele CA1754041.